The following is an entry in ClinVar:

ClinVar aggregate classification (germline): Uncertain significance (1 of 4 stars; one submission).

Conditions:
Deficiency of malonyl-CoA decarboxylase. Also called: Malonic aciduria; MCD deficiency. Identifiers: Orphanet 943, MedGen C0342793, MONDO:0009556, OMIM 248360.

Allele frequency attached by ClinVar (database versions not stated): gnomAD exomes below 0.00001.

Submission:

Labcorp Genetics (formerly Invitae), Labcorp
Classification: Uncertain significance for Deficiency of malonyl-CoA decarboxylase. Last evaluated: 2022-08-20. Review status: criteria provided, single submitter. Criteria: Invitae Variant Classification Sherloc (09022015). Collection method: clinical testing. Allele origin: germline.
Comment: This sequence change replaces glycine, which is neutral and non-polar, with cysteine, which is neutral and slightly polar, at codon 76 of the MLYCD protein (p.Gly76Cys). This variant is not present in population databases (gnomAD no frequency). This variant has not been reported in the literature in individuals affected with MLYCD-related conditions. ClinVar contains an entry for this variant (Variation ID: 1051612). Algorithms developed to predict the effect of missense changes on protein structure and function are either unavailable or do not agree on the potential impact of this missense change (SIFT: "Deleterious"; PolyPhen-2: "Possibly Damaging"; Align-GVGD: "Class C0"). In summary, the available evidence is currently insufficient to determine the role of this variant in disease. Therefore, it has been classified as a Variant of Uncertain Significance.

NM_012213.3(MLYCD):c.226G>T (p.Gly76Cys)

Gene: MLYCD (malonyl-CoA decarboxylase; plus strand). Cytogenetic location: 16q23.3.
Variant type: single nucleotide variant.
Coding change: c.226G>T on transcript NM_012213.3 (MANE Select); coding-DNA position 226, G replaced by T.
Protein change: p.Gly76Cys; replaces glycine 76 with cysteine.
Molecular consequence: missense variant.
Genome position (GRCh38, 1-based): chr16:83,899,370, G>T. VCF-style: chr16-83899370-G-T. GRCh37 (hg19) VCF-style: chr16-83932975-G-T.
Other names: short protein forms G76C.
Identifiers: ClinVar variation 1051612 (VCV001051612.6), dbSNP rs1238223514, ClinGen allele CA396917904.